The following is an entry in ClinVar:

NM_152703.5(SAMD9L):c.76G>T (p.Asp26Tyr)

Gene: SAMD9L (sterile alpha motif domain containing 9 like; minus strand). Cytogenetic location: 7q21.2.
Variant type: single nucleotide variant.
Coding change: c.76G>T on transcript NM_152703.5 (MANE Select); coding-DNA position 76, G replaced by T.
Protein change: p.Asp26Tyr; replaces aspartic acid 26 with tyrosine.
Molecular consequence: missense variant.
Genome position (GRCh38, 1-based): chr7:93,135,896, C>A on the plus strand (G>T on the coding strand, the complement: SAMD9L is on the minus strand). VCF-style: chr7-93135896-C-A. GRCh37 (hg19) VCF-style: chr7-92765209-C-A.
Other names: c.76G>T, p.Asp26Tyr (NM_001303498.3, NM_001303500.3, NM_001350082.2 and 5 more transcripts); short protein forms D26Y.
Identifiers: ClinVar variation 4159431 (VCV004159431.1).

ClinVar aggregate classification (germline): Uncertain significance (1 of 4 stars; one submission).

Conditions:
Inborn genetic diseases. Identifiers: MedGen C0950123, MeSH D030342.

Submission:

Ambry Genetics
Classification: Uncertain significance for Inborn genetic diseases. Last evaluated: 2025-08-23. Review status: criteria provided, single submitter. Criteria: Ambry Variant Classification Scheme 2023. Collection method: clinical testing. Allele origin: germline.
Comment: The p.D26Y variant (also known as c.76G>T), located in coding exon 1 of the SAMD9L gene, results from a G to T substitution at nucleotide position 76. The aspartic acid at codon 26 is replaced by tyrosine, an amino acid with highly dissimilar properties. This amino acid position is conserved. In addition, this alteration is predicted to be tolerated by in silico analysis. Based on the available evidence, the clinical significance of this variant remains unclear.